The following is an entry in ClinVar:

NM_000384.3(APOB):c.13153C>T (p.Arg4385Cys)

Gene: APOB (apolipoprotein B; minus strand). Cytogenetic location: 2p24.1.
Variant type: single nucleotide variant.
Coding change: c.13153C>T on transcript NM_000384.3 (MANE Select); coding-DNA position 13153, C replaced by T.
Protein change: p.Arg4385Cys; replaces arginine 4385 with cysteine.
Molecular consequence: missense variant.
Genome position (GRCh38, 1-based): chr2:21,002,269, G>A on the plus strand (C>T on the coding strand, the complement: APOB is on the minus strand). VCF-style: chr2-21002269-G-A. GRCh37 (hg19) VCF-style: chr2-21225141-G-A.
Other names: short protein forms R4385C.
Identifiers: ClinVar variation 218441 (VCV000218441.10), dbSNP rs864309556, ClinGen allele CA251316.
Genomic context (GRCh38, chr2:21,002,269, plus strand): 5'-CTTCAAGTTCATAATATTTCACTGTCCAGCCAACTATACTTGGATCAAAATATTCTTCAC[G>A]AAGGGCCATAATGTATTGATGGATCTGCTGTAACTCTTGAGAAGCTTCCTGAAGCTCGTT-3'
Protein context (NP_000375.3, residues 4375-4395): QQIHQYIMAL[Arg4385Cys]EEYFDPSIVG

ClinVar aggregate classification (germline): Uncertain significance. Review status: criteria provided, multiple submitters, no conflicts (2 of 4 stars). 5 submissions from 5 submitters: Uncertain significance (3). 2 of the submissions do not count toward it. Last evaluated 2023-07-13.

Conditions:
Hypercholesterolemia, autosomal dominant, type B (FHCL2). Also called: APOLIPOPROTEIN B-100, FAMILIAL DEFECTIVE; APOLIPOPROTEIN B-100, FAMILIAL LIGAND-DEFECTIVE; HYPERCHOLESTEROLEMIA, FAMILIAL, DUE TO LIGAND-DEFECTIVE APOLIPOPROTEIN B; Familial hypercholesterolemia 2; Familial Hypercholesterolemia Type B; APOB-Related Familial Hypercholesterolemia, Autosomal Dominant. Identifiers: MedGen C1704417, MONDO:0007751, OMIM 144010.
Familial hypobetalipoproteinemia 1. Also called: APOB-Related Familial Hypobetalipoproteinemia; Hypobetalipoproteinemia, normotriglyceridemic; Acanthocytosis with hypobetalipoproteinemia. Identifiers: MedGen C4551990, MONDO:0014252, OMIM 615558.
Hypercholesterolemia, familial, 1. Also called: LDL RECEPTOR DISORDER; Hyperlipoproteinemia Type IIa; HYPER-LOW-DENSITY-LIPOPROTEINEMIA; HYPERCHOLESTEROLEMIC XANTHOMATOSIS, FAMILIAL; Fredrickson type IIa hyperlipoproteinemia; Hyperlipoproteinemia type 2. Identifiers: Orphanet 391665, MedGen C0745103, MONDO:0007750, OMIM 143890.

Allele frequency attached by ClinVar (database versions not stated): gnomAD exomes below 0.00001.

Submissions (5):

New York Genome Center
Classification: Uncertain significance for Hypercholesterolemia, autosomal dominant, type B; Familial hypobetalipoproteinemia 1. Last evaluated: 2023-07-13. Review status: criteria provided, single submitter. Criteria: NYGC Assertion Criteria 2020. Collection method: clinical testing. Allele origin: germline. Observed: 1 heterozygote.
Comment: The c.13153C>T p.(Arg4385Cys) missense variant identified in the APOB gene has been reported in an individual with familial hypercholesterolemia [PMID:22294733]. This variant has been deposited in ClinVar as a variant of uncertain significance [ClinVar ID: 218441]. It is observed in 2 alleles in population databases (~0.0006 %MAF with 0 homozygote in gnomAD v2.1.1 and v3.1.2, TOPMed Freeze 8), suggesting that it is not a common benign variant in the populations represented in those databases. This c.13153C>T in APOB gene is located in exon 29 if this 29-exon gene, replacing arginine with cysteine at codon 4385 of the APOB protein [p.(Arg4385Cys)]. In silico predictions are inconclusive of the variant’s effect (REVEL=0.199); however, there are no functional studies to support or refute these predictions. In summary, due to the lack of compelling evidence for its pathogenicity, the c.13153C>T p.(Arg4385Cys) missense variant identified in the APOB gene is reported as a Variant of Uncertain Significance.

Labcorp Genetics (formerly Invitae), Labcorp
Classification: Uncertain significance for Familial hypobetalipoproteinemia 1; Hypercholesterolemia, autosomal dominant, type B. Last evaluated: 2022-06-13. Review status: criteria provided, single submitter. Criteria: Invitae Variant Classification Sherloc (09022015). Collection method: clinical testing. Allele origin: germline.
Comment: In summary, the available evidence is currently insufficient to determine the role of this variant in disease. Therefore, it has been classified as a Variant of Uncertain Significance. Algorithms developed to predict the effect of missense changes on protein structure and function are either unavailable or do not agree on the potential impact of this missense change (SIFT: "Deleterious"; PolyPhen-2: "Possibly Damaging"; Align-GVGD: "Class C0"). ClinVar contains an entry for this variant (Variation ID: 218441). This missense change has been observed in individual(s) with familial hypercholesterolemia (PMID: 22294733). This variant is not present in population databases (gnomAD no frequency). This sequence change replaces arginine, which is basic and polar, with cysteine, which is neutral and slightly polar, at codon 4385 of the APOB protein (p.Arg4385Cys).

Genomic Diagnostic Laboratory, Division of Genomic Diagnostics, Children's Hospital of Philadelphia
Classification: Uncertain significance for Familial hypercholesterolemia. Last evaluated: 2015-06-26. Review status: criteria provided, single submitter. Criteria: DGD Variant Analysis Guidelines. Collection method: clinical testing. Allele origin: unknown.

Clinical Genetics DNA and cytogenetics Diagnostics Lab, Erasmus MC, Erasmus Medical Center
Classification: Uncertain significance. Review status: no assertion criteria provided. Collection method: clinical testing. Allele origin: germline. Affected: yes. Study: VKGL Data-share Consensus. Not counted in ClinVar's aggregate classification.

Clinical Genetics, Academic Medical Center
Classification: Uncertain significance. Review status: no assertion criteria provided. Collection method: clinical testing. Allele origin: germline. Affected: yes. Study: VKGL Data-share Consensus. Not counted in ClinVar's aggregate classification.

Literature cited by the submitters: PubMed 22294733 (cited by Labcorp Genetics (formerly Invitae), Labcorp).